The following is an entry in ClinVar:

ClinVar aggregate classification (germline): Benign/Likely benign. Review status: criteria provided, multiple submitters, no conflicts (2 of 4 stars). 4 submissions from 4 submitters: Benign (2); Likely benign (2). Last evaluated 2026-05-12.

Conditions:
Iodotyrosyl coupling defect (TDH3). Also called: THYROID HORMONOGENESIS, GENETIC DEFECT IN, 3; HYPOTHYROIDISM, CONGENITAL, DUE TO DYSHORMONOGENESIS, 3. Identifiers: Orphanet 95716, MedGen C0342194, MONDO:0010135, OMIM 274700.

Allele frequency attached by ClinVar (database versions not stated): gnomAD exomes 0.00196 and 0.00557; gnomAD 0.02313 and 0.02161; TOPMed 0.02449; ExAC 0.00695; 1000 Genomes Project 0.02516; 1000 Genomes Project 30x 0.02889; ESP Exome Variant Server 0.02653.
gnomAD v4.1: 6,236 of 1,598,672 alleles (0.39%); highest among the groups gnomAD compares: African/African-American, 7.4%; 209 homozygotes.

Submissions (4):

Women's Health and Genetics/Laboratory Corporation of America, LabCorp
Classification: Benign. Last evaluated: 2026-05-12. Review status: criteria provided, single submitter. Criteria: LabCorp Variant Classification Summary - May 2015. Collection method: clinical testing. Allele origin: germline.

Labcorp Genetics (formerly Invitae), Labcorp
Classification: Benign. Last evaluated: 2026-02-02. Review status: criteria provided, single submitter. Criteria: Invitae Variant Classification Sherloc (09022015). Collection method: clinical testing. Allele origin: germline.

Illumina Laboratory Services, Illumina
Classification: Likely benign for Iodotyrosyl coupling defect. Last evaluated: 2018-01-13. Review status: criteria provided, single submitter. Criteria: ICSL Variant Classification Criteria 13 December 2019. Collection method: clinical testing. Allele origin: germline.
Comment: This variant was observed in the ICSL laboratory as part of a predisposition screen in an ostensibly healthy population. It had not been previously curated by ICSL or reported in the Human Gene Mutation Database (HGMD: prior to June 1st, 2018), and was therefore a candidate for classification through an automated scoring system. Utilizing variant allele frequency, disease prevalence and penetrance estimates, and inheritance mode, an automated score was calculated to assess if this variant is too frequent to cause the disease. Based on the score and internal cut-off values, a variant classified as likely benign is not then subjected to further curation. The score for this variant resulted in a classification of likely benign for this disease.

Breakthrough Genomics
Classification: Likely benign. Review status: criteria provided, single submitter. Criteria: ACMG Guidelines, 2015. Collection method: not provided. Allele origin: germline. Inheritance: Autosomal recessive inheritance. Affected: yes.

NM_003235.5(TG):c.6055+7A>G

Gene: TG (thyroglobulin; plus strand). Cytogenetic location: 8q24.22.
Variant type: single nucleotide variant.
Coding change: c.6055+7A>G on transcript NM_003235.5 (MANE Select); 7 bases into the intron after coding-DNA position 6055, A replaced by G.
Molecular consequence: intron variant.
Genome position (GRCh38, 1-based): chr8:132,971,880, A>G. VCF-style: chr8-132971880-A-G. GRCh37 (hg19) VCF-style: chr8-133984125-A-G.
Identifiers: ClinVar variation 783534 (VCV000783534.13), dbSNP rs73353474, ClinGen allele CA4884735.